The following is an entry in ClinVar:

ClinVar aggregate classification (germline): Uncertain significance (1 of 4 stars; one submission).

Conditions:
Joubert syndrome 8 (JBTS8). Identifiers: Orphanet 475, MedGen C2676771, MONDO:0012855, OMIM 612291.

Submission:

Labcorp Genetics (formerly Invitae), Labcorp
Classification: Uncertain significance for Joubert syndrome 8. Last evaluated: 2024-04-10. Review status: criteria provided, single submitter. Criteria: Invitae Variant Classification Sherloc (09022015). Collection method: clinical testing. Allele origin: germline.
Comment: This sequence change replaces glutamic acid, which is acidic and polar, with aspartic acid, which is acidic and polar, at codon 340 of the ARL13B protein (p.Glu340Asp). This variant is not present in population databases (gnomAD no frequency). This variant has not been reported in the literature in individuals affected with ARL13B-related conditions. ClinVar contains an entry for this variant (Variation ID: 2000652). Advanced modeling of protein sequence and biophysical properties (such as structural, functional, and spatial information, amino acid conservation, physicochemical variation, residue mobility, and thermodynamic stability) performed at Invitae indicates that this missense variant is not expected to disrupt ARL13B protein function with a negative predictive value of 80%. In summary, the available evidence is currently insufficient to determine the role of this variant in disease. Therefore, it has been classified as a Variant of Uncertain Significance.

NM_001174150.2(ARL13B):c.1020A>T (p.Glu340Asp)

Gene: ARL13B (ARF like GTPase 13B; plus strand). Cytogenetic location: 3q11.2.
Variant type: single nucleotide variant.
Coding change: c.1020A>T on transcript NM_001174150.2 (MANE Select); coding-DNA position 1020, A replaced by T.
Protein change: p.Glu340Asp; replaces glutamic acid 340 with aspartic acid.
Molecular consequence: missense variant. On other transcripts: non-coding transcript variant (2).
Genome position (GRCh38, 1-based): chr3:94,043,236, A>T. VCF-style: chr3-94043236-A-T. GRCh37 (hg19) VCF-style: chr3-93762080-A-T.
Other names: c.711A>T, p.Glu237Asp (NM_001174151.2); c.975A>T, p.Glu325Asp (NM_001321328.2); c.1020A>T, p.Glu340Asp (NM_001410782.1, NM_182896.3); c.699A>T, p.Glu233Asp (NM_144996.4); short protein forms E233D, E340D, E237D, E325D.
Identifiers: ClinVar variation 2000652 (VCV002000652.4), dbSNP rs772777819, ClinGen allele CA353679312.